The following is an entry in ClinVar:

NM_015107.3(PHF8):c.947-13T>G

Gene: PHF8 (PHD finger protein 8; minus strand). Cytogenetic location: Xp11.22.
Variant type: single nucleotide variant.
Coding change: c.947-13T>G on transcript NM_015107.3 (MANE Select); 13 bases into the intron before coding-DNA position 947, T replaced by G.
Molecular consequence: intron variant.
Genome position (GRCh38, 1-based): chrX:54,002,695, A>C on the plus strand (T>G on the coding strand, the complement: PHF8 is on the minus strand). VCF-style: chrX-54002695-A-C. GRCh37 (hg19) VCF-style: chrX-54029128-A-C.
Other names: c.1055-13T>G (NM_001184896.1); c.947-13T>G (NM_001184897.2, NM_001184898.2).
Identifiers: ClinVar variation 1303425 (VCV001303425.3), dbSNP rs368502688, ClinGen allele CA10423551.

ClinVar aggregate classification (germline): Uncertain significance (1 of 4 stars; one submission).

Allele frequency attached by ClinVar (database versions not stated): gnomAD exomes below 0.00001 and 0.00002; ExAC 0.00001; gnomAD 0.00002; ESP Exome Variant Server 0.00009; TOPMed 0.00009.
gnomAD v4.1: 4 of 1,140,038 alleles (0.00035%); highest among the groups gnomAD compares: African/African-American, 0.0072%; no homozygotes.

Submission:

GeneDx
Classification: Uncertain significance. Last evaluated: 2022-10-14. Review status: criteria provided, single submitter. Criteria: GeneDx Variant Classification Process June 2021. Collection method: clinical testing. Allele origin: germline. Affected: yes.
Comment: In silico analysis supports that this variant does not alter splicing; Has not been previously published as pathogenic or benign to our knowledge